The following is an entry in ClinVar:

ClinVar aggregate classification (germline): Benign/Likely benign. Review status: criteria provided, multiple submitters, no conflicts (2 of 4 stars). 9 submissions from 9 submitters: Benign (7); Likely benign (2). Last evaluated 2026-02-03.

Conditions:
Myopathy, centronuclear, 2 (CNM2). Also called: MYOTUBULAR MYOPATHY, AUTOSOMAL RECESSIVE. Identifiers: Orphanet 169186, MedGen CN031787, MONDO:0009709, OMIM 255200.

Allele frequency attached by ClinVar (database versions not stated): 1000 Genomes Project 30x 0.09713; gnomAD exomes 0.16164; ExAC 0.25529; gnomAD 0.13837; ESP Exome Variant Server 0.13890; 1000 Genomes Project 0.09465; TOPMed 0.14347.
gnomAD v4.1: 286,612 of 1,576,122 alleles (18%); highest among the groups gnomAD compares: Non-Finnish European, 20%; 28,068 homozygotes.

Submissions (9):

Labcorp Genetics (formerly Invitae), Labcorp
Classification: Benign for Myopathy, centronuclear, 2. Last evaluated: 2026-02-03. Review status: criteria provided, single submitter. Criteria: Invitae Variant Classification Sherloc (09022015). Collection method: clinical testing. Allele origin: germline.

Illumina Laboratory Services, Illumina
Classification: Benign for Myopathy, centronuclear, 2. Last evaluated: 2018-01-13. Review status: criteria provided, single submitter. Criteria: ICSL Variant Classification Criteria 13 December 2019. Collection method: clinical testing. Allele origin: germline.
Comment: This variant was observed in the ICSL laboratory as part of a predisposition screen in an ostensibly healthy population. It had not been previously curated by ICSL or reported in the Human Gene Mutation Database (HGMD: prior to June 1st, 2018), and was therefore a candidate for classification through an automated scoring system. Utilizing variant allele frequency, disease prevalence and penetrance estimates, and inheritance mode, an automated score was calculated to assess if this variant is too frequent to cause the disease. Based on the score and internal cut-off values, a variant classified as benign is not then subjected to further curation. The score for this variant resulted in a classification of benign for this disease.

Mayo Clinic Laboratories, Mayo Clinic
Classification: Benign. Last evaluated: 2017-07-20. Review status: criteria provided, single submitter. Criteria: ACMG Guidelines, 2015. Collection method: clinical testing. Allele origin: germline. Observed: 259 variant alleles.

GeneDx
Classification: Benign. Last evaluated: 2016-01-28. Review status: criteria provided, single submitter. Criteria: GeneDx Variant Classification (06012015). Collection method: clinical testing. Allele origin: germline. Affected: yes.
Comment: This variant is considered likely benign or benign based on one or more of the following criteria: it is a conservative change, it occurs at a poorly conserved position in the protein, it is predicted to be benign by multiple in silico algorithms, and/or has population frequency not consistent with disease.

Eurofins Ntd Llc (ga)
Classification: Benign. Last evaluated: 2015-02-18. Review status: criteria provided, single submitter. Criteria: EGL Classification Definitions 2015. Collection method: clinical testing. Allele origin: germline. Observed: 13 variant alleles, 12 heterozygotes, 1 homozygote.

Laboratory for Molecular Medicine, Mass General Brigham Personalized Medicine
Classification: Benign. Last evaluated: 2014-11-24. Review status: criteria provided, single submitter. Criteria: LMM Criteria. Collection method: clinical testing. Allele origin: germline. Observed: 4 variant alleles.
Comment: Ala319Ala in exon 11 of BIN1: This variant is not expected to have clinical sign ificance because it does not alter an amino acid residue and is not located with in the splice consensus sequence. It has been identified in 19.1% (1632/8532) of European American chromosomes from a broad population by the NHLBI Exome Sequen cing Project (dbSNP rs2276579).

Genetic Services Laboratory, University of Chicago
Classification: Likely benign. Last evaluated: 2013-08-15. Review status: criteria provided, single submitter. Criteria: ACMG Guidelines, 2007. Collection method: clinical testing. Allele origin: germline. Inheritance: Autosomal recessive inheritance.
Comment: Likely benign based on allele frequency in 1000 Genomes Project or ESP global frequency and its presence in a patient with a rare or unrelated disease phenotype. NOT Sanger confirmed

Breakthrough Genomics
Classification: Likely benign. Review status: criteria provided, single submitter. Criteria: ACMG Guidelines, 2015. Collection method: not provided. Allele origin: germline. Inheritance: Autosomal recessive inheritance. Affected: yes.

PreventionGenetics, part of Exact Sciences
Classification: Benign. Review status: criteria provided, single submitter. Criteria: ACMG Guidelines, 2015. Collection method: clinical testing. Allele origin: germline.

NM_139343.3(BIN1):c.957C>T (p.Ala319=)

Gene: BIN1 (bridging integrator 1; minus strand). Cytogenetic location: 2q14.3.
Variant type: single nucleotide variant.
Coding change: c.957C>T on transcript NM_139343.3 (MANE Select); coding-DNA position 957, C replaced by T.
Protein change: p.Ala319=; no amino-acid change (alanine 319 retained).
Molecular consequence: synonymous variant.
Genome position (GRCh38, 1-based): chr2:127,059,056, G>A on the plus strand (C>T on the coding strand, the complement: BIN1 is on the minus strand). VCF-style: chr2-127059056-G-A. GRCh37 (hg19) VCF-style: chr2-127816632-G-A.
Other names: p.Ala319=; c.909C>T, p.Ala303= (NM_001320632.2, NM_004305.4, NM_139346.3); c.957C>T, p.Ala319= (NM_001320633.2, NM_001320640.2, NM_139344.3 and 1 more transcripts); c.792C>T, p.Ala264= (NM_001320634.1); c.864C>T, p.Ala288= (NM_001320641.2, NM_139347.3, NM_139348.3 and 3 more transcripts); c.876C>T, p.Ala292= (NM_001320642.1).
Identifiers: ClinVar variation 158025 (VCV000158025.27), dbSNP rs2276579, ClinGen allele CA171417.